The following is an entry in ClinVar:

ClinVar aggregate classification (germline): Uncertain significance (1 of 4 stars; one submission).

Submission:

Labcorp Genetics (formerly Invitae), Labcorp
Classification: Uncertain significance. Last evaluated: 2022-02-08. Review status: criteria provided, single submitter. Criteria: Invitae Variant Classification Sherloc (09022015). Collection method: clinical testing. Allele origin: germline.
Comment: In summary, the available evidence is currently insufficient to determine the role of this variant in disease. Therefore, it has been classified as a Variant of Uncertain Significance. Algorithms developed to predict the effect of missense changes on protein structure and function (SIFT, PolyPhen-2, Align-GVGD) all suggest that this variant is likely to be tolerated. This sequence change replaces serine, which is neutral and polar, with arginine, which is basic and polar, at codon 33 of the CNGA3 protein (p.Ser33Arg). This variant is not present in population databases (gnomAD no frequency). This variant has not been reported in the literature in individuals affected with CNGA3-related conditions.

NM_001298.3(CNGA3):c.99C>A (p.Ser33Arg)

Gene: CNGA3 (cyclic nucleotide gated channel subunit alpha 3; plus strand). Cytogenetic location: 2q11.2.
Variant type: single nucleotide variant.
Coding change: c.99C>A on transcript NM_001298.3 (MANE Select); coding-DNA position 99, C replaced by A.
Protein change: p.Ser33Arg; replaces serine 33 with arginine.
Molecular consequence: missense variant.
Genome position (GRCh38, 1-based): chr2:98,370,074, C>A. VCF-style: chr2-98370074-C-A. GRCh37 (hg19) VCF-style: chr2-98986537-C-A.
Other names: c.99C>A, p.Ser33Arg (NM_001079878.2); short protein forms S33R.
Identifiers: ClinVar variation 1494832 (VCV001494832.8), dbSNP rs2104175711, ClinGen allele CA347828931.